The following is an entry in ClinVar:

NM_022835.3(PLEKHG2):c.103C>T (p.Arg35Trp)

Gene: PLEKHG2 (pleckstrin homology and RhoGEF domain containing G2; plus strand). Cytogenetic location: 19q13.2.
Variant type: single nucleotide variant.
Coding change: c.103C>T on transcript NM_022835.3 (MANE Select); coding-DNA position 103, C replaced by T.
Protein change: p.Arg35Trp; replaces arginine 35 with tryptophan.
Molecular consequence: missense variant.
Genome position (GRCh38, 1-based): chr19:39,414,189, C>T. VCF-style: chr19-39414189-C-T. GRCh37 (hg19) VCF-style: chr19-39904829-C-T.
Other names: c.103C>T, p.Arg35Trp (NM_001351693.2, NM_001351694.2); short protein forms R35W.
Identifiers: ClinVar variation 2122857 (VCV002122857.4), dbSNP rs1263975150, ClinGen allele CA405786730.

ClinVar aggregate classification (germline): Uncertain significance (1 of 4 stars; one submission).

Submission:

Labcorp Genetics (formerly Invitae), Labcorp
Classification: Uncertain significance. Last evaluated: 2022-08-03. Review status: criteria provided, single submitter. Criteria: Invitae Variant Classification Sherloc (09022015). Collection method: clinical testing. Allele origin: germline.
Comment: This sequence change replaces arginine, which is basic and polar, with tryptophan, which is neutral and slightly polar, at codon 35 of the PLEKHG2 protein (p.Arg35Trp). This variant is not present in population databases (gnomAD no frequency). This variant has not been reported in the literature in individuals affected with PLEKHG2-related conditions. Algorithms developed to predict the effect of missense changes on protein structure and function are either unavailable or do not agree on the potential impact of this missense change (SIFT: "Deleterious"; PolyPhen-2: "Possibly Damaging"; Align-GVGD: "Class C0"). In summary, the available evidence is currently insufficient to determine the role of this variant in disease. Therefore, it has been classified as a Variant of Uncertain Significance.